The following is an entry in ClinVar:

NM_001009944.3(PKD1):c.3301T>G (p.Tyr1101Asp)

Gene: PKD1 (polycystin 1, transient receptor potential channel interacting; minus strand). Cytogenetic location: 16p13.3.
Variant type: single nucleotide variant.
Coding change: c.3301T>G on transcript NM_001009944.3 (MANE Select); coding-DNA position 3301, T replaced by G.
Protein change: p.Tyr1101Asp; replaces tyrosine 1101 with aspartic acid.
Molecular consequence: missense variant.
Genome position (GRCh38, 1-based): chr16:2,111,866, A>C on the plus strand (T>G on the coding strand, the complement: PKD1 is on the minus strand). VCF-style: chr16-2111866-A-C. GRCh37 (hg19) VCF-style: chr16-2161867-A-C.
Other names: c.3301T>G, p.Tyr1101Asp (NM_000296.4); short protein forms Y1101D.
Identifiers: ClinVar variation 4995369 (VCV004995369.1).

ClinVar aggregate classification (germline): Uncertain significance (1 of 4 stars; one submission).

Conditions:
PKD1-related disorder. Also called: PKD1-related condition.

Submission:

PreventionGenetics, part of Exact Sciences
Classification: Uncertain significance for PKD1-related condition. Last evaluated: 2026-09-14. Review status: criteria provided, single submitter. Criteria: ACMG Guidelines, 2015. Collection method: clinical testing. Allele origin: germline.
Comment: The PKD1 c.3301T>G variant is predicted to result in the amino acid substitution p.Tyr1101Asp. To our knowledge, this variant has not been reported in the literature or in a large population database (gnomAD), indicating this variant is rare. At this time, the clinical significance of this variant is uncertain due to the absence of conclusive functional and genetic evidence.